The following is an entry in ClinVar:

NM_005732.4(RAD50):c.561A>C (p.Lys187Asn)

Gene: RAD50 (RAD50 double strand break repair protein; plus strand). Cytogenetic location: 5q31.1.
Variant type: single nucleotide variant.
Coding change: c.561A>C on transcript NM_005732.4 (MANE Select); coding-DNA position 561, A replaced by C.
Protein change: p.Lys187Asn; replaces lysine 187 with asparagine.
Molecular consequence: missense variant.
Genome position (GRCh38, 1-based): chr5:132,579,871, A>C. VCF-style: chr5-132579871-A-C. GRCh37 (hg19) VCF-style: chr5-131915563-A-C.
Other names: short protein forms K187N.
Identifiers: ClinVar variation 2087987 (VCV002087987.4), dbSNP rs1245861537, ClinGen allele CA360935440.

ClinVar aggregate classification (germline): Uncertain significance (1 of 4 stars; one submission).

Conditions:
Hereditary cancer-predisposing syndrome. Also called: Tumor predisposition; Hereditary Cancer Syndrome; Hereditary neoplastic syndrome; Neoplastic Syndromes, Hereditary. Identifiers: Orphanet 140162, MedGen C0027672, MeSH D009386, MONDO:0015356.

Submission:

Labcorp Genetics (formerly Invitae), Labcorp
Classification: Uncertain significance for Hereditary cancer-predisposing syndrome. Last evaluated: 2023-01-02. Review status: criteria provided, single submitter. Criteria: Invitae Variant Classification Sherloc (09022015). Collection method: clinical testing. Allele origin: germline.
Comment: This sequence change replaces lysine, which is basic and polar, with asparagine, which is neutral and polar, at codon 187 of the RAD50 protein (p.Lys187Asn). This variant is not present in population databases (gnomAD no frequency). This variant has not been reported in the literature in individuals affected with RAD50-related conditions. Advanced modeling of protein sequence and biophysical properties (such as structural, functional, and spatial information, amino acid conservation, physicochemical variation, residue mobility, and thermodynamic stability) performed at Invitae indicates that this missense variant is expected to disrupt RAD50 protein function. Algorithms developed to predict the effect of sequence changes on RNA splicing suggest that this variant may create or strengthen a splice site. In summary, the available evidence is currently insufficient to determine the role of this variant in disease. Therefore, it has been classified as a Variant of Uncertain Significance.